The following is an entry in ClinVar:

NM_000257.4(MYH7):c.184G>C (p.Glu62Gln)

Gene: MYH7 (myosin heavy chain 7; minus strand). Cytogenetic location: 14q11.2.
Variant type: single nucleotide variant.
Coding change: c.184G>C on transcript NM_000257.4 (MANE Select); coding-DNA position 184, G replaced by C.
Protein change: p.Glu62Gln; replaces glutamic acid 62 with glutamine.
Molecular consequence: missense variant.
Genome position (GRCh38, 1-based): chr14:23,433,549, C>G on the plus strand (G>C on the coding strand, the complement: MYH7 is on the minus strand). VCF-style: chr14-23433549-C-G. GRCh37 (hg19) VCF-style: chr14-23902758-C-G.
Other names: short protein forms E62Q.
Identifiers: ClinVar variation 1171505 (VCV001171505.8), dbSNP rs727504416, ClinGen allele CA389053643.
Genomic context (GRCh38, chr14:23,433,549, plus strand): 5'-TACAGGTGGCCAGGGTGGACTCTCACATCAGCCTGACACCCACCTTGCCATACTCGGTCT[C>G]GGCAGTGACTTTGCCACCCTCTCGAGACACGATCTTGGCCTTGACAAACTCCTGTTTGTC-3'
Protein context (NP_000248.2, residues 52-72): VSREGGKVTA[Glu62Gln]TEYGKTVTVK

ClinVar aggregate classification (germline): Uncertain significance. Review status: criteria provided, multiple submitters, no conflicts (2 of 4 stars). 4 submissions from 4 submitters: Uncertain significance (4). Last evaluated 2024-09-19.

Conditions:
Cardiomyopathy (CMYO). Also called: Cardiomyopathies. Identifiers: Orphanet 167848, MedGen C0878544, MONDO:0004994, HP:0001638. Inheritance: Various modes of inheritance.

gnomAD v4.1: 2 of 1,614,112 alleles (0.00012%); highest among the groups gnomAD compares: Non-Finnish European, 0.00017%; no homozygotes.

Submissions (4):

Revvity Omics, Revvity
Classification: Uncertain significance. Last evaluated: 2024-09-19. Review status: criteria provided, single submitter. Criteria: ACMG Guidelines, 2015. Collection method: clinical testing. Allele origin: germline.

All of Us Research Program, National Institutes of Health
Classification: Uncertain significance for Cardiomyopathy. Last evaluated: 2024-03-05. Review status: criteria provided, single submitter. Criteria: ACMG Guidelines, 2015. Collection method: clinical testing. Allele origin: germline. Inheritance: Autosomal dominant inheritance. Observed: 2 variant alleles, 2 heterozygotes.
Comment: This missense variant replaces glutamic acid with glutamine at codon 62 of the MYH7 protein. Computational prediction tool indicates that this variant may have a neutral impact on protein structure and function. To our knowledge, functional studies have not been reported for this variant. This variant has not been reported in individuals affected with MYH7-related disorders in the literature. This variant has not been identified in the general population by the Genome Aggregation Database (gnomAD). The available evidence is insufficient to determine the role of this variant in disease conclusively. Therefore, this variant is classified as a Variant of Uncertain Significance.

This study involves interpretation of variants in research participants for the purpose of population health screening. Participant phenotype was not available at the time of variant classification. Additional details can be found in publication PMID: 35346344, PMCID: PMC8962531

Color Diagnostics, LLC DBA Color Health
Classification: Uncertain significance for Cardiomyopathy. Last evaluated: 2023-12-06. Review status: criteria provided, single submitter. Criteria: ACMG Guidelines, 2015. Collection method: clinical testing. Allele origin: germline.
Comment: This missense variant replaces glutamic acid with glutamine at codon 62 of the MYH7 protein. Computational prediction tool indicates that this variant may have a neutral impact on protein structure and function. To our knowledge, functional studies have not been reported for this variant. This variant has not been reported in individuals affected with MYH7-related disorders in the literature. This variant has not been identified in the general population by the Genome Aggregation Database (gnomAD). The available evidence is insufficient to determine the role of this variant in disease conclusively. Therefore, this variant is classified as a Variant of Uncertain Significance.

Blueprint Genetics
Classification: Uncertain significance. Last evaluated: 2019-07-18. Review status: criteria provided, single submitter. Criteria: ACMG Guidelines, 2015. Collection method: clinical testing. Allele origin: germline.